The following is an entry in ClinVar:

NM_001048174.2(MUTYH):c.1055C>G (p.Pro352Arg)

Gene: MUTYH (mutY DNA glycosylase; minus strand). Cytogenetic location: 1p34.1.
Variant type: single nucleotide variant.
Coding change: c.1055C>G on transcript NM_001048174.2 (MANE Select); coding-DNA position 1055, C replaced by G.
Protein change: p.Pro352Arg; replaces proline 352 with arginine.
Molecular consequence: missense variant. On other transcripts: non-coding transcript variant (2).
Genome position (GRCh38, 1-based): chr1:45,331,708, G>C on the plus strand (C>G on the coding strand, the complement: MUTYH is on the minus strand). VCF-style: chr1-45331708-G-C. GRCh37 (hg19) VCF-style: chr1-45797380-G-C.
Other names: c.1055C>G, p.Pro352Arg (NM_001048171.2, NM_001048173.2, NM_001293195.2); c.1058C>G, p.Pro353Arg (NM_001048172.2); c.1139C>G, p.Pro380Arg (NM_001128425.2); c.1100C>G, p.Pro367Arg (NM_001293190.2); c.1088C>G, p.Pro363Arg (NM_001293191.2); c.779C>G, p.Pro260Arg (NM_001293192.2, NM_001293196.2); c.710C>G, p.Pro237Arg (NM_001350650.2, NM_001350651.2); c.1130C>G, p.Pro377Arg (NM_012222.3); short protein forms P380R, P377R, P260R, P352R, P353R, P363R, P237R, P367R.
Identifiers: ClinVar variation 633323 (VCV000633323.5), dbSNP rs774441289, ClinGen allele CA055195.

ClinVar aggregate classification (germline): Uncertain significance. Review status: criteria provided, multiple submitters, no conflicts (2 of 4 stars). 3 submissions from 3 submitters: Uncertain significance (3). Last evaluated 2025-09-10.

Conditions:
Familial adenomatous polyposis 2. Also called: COLORECTAL ADENOMATOUS POLYPOSIS, AUTOSOMAL RECESSIVE; ADENOMAS, MULTIPLE COLORECTAL, AUTOSOMAL RECESSIVE; MUTYH-associated polyposis; MUTYH-related attenuated familial adenomatous polyposis; MUTYH Polyposis; Adenomas, multiple colorectal. Identifiers: Orphanet 220460, Orphanet 247798, MedGen C3272841, MONDO:0012041, OMIM 608456.
Hereditary cancer-predisposing syndrome. Also called: Neoplastic Syndromes, Hereditary; Hereditary Cancer Syndrome; Tumor predisposition; Hereditary neoplastic syndrome. Identifiers: Orphanet 140162, MedGen C0027672, MeSH D009386, MONDO:0015356.

Allele frequency attached by ClinVar (database versions not stated): gnomAD exomes below 0.00001; ExAC 0.00001.
gnomAD v4.1: 2 of 1,614,158 alleles (0.00012%); highest among the groups gnomAD compares: East Asian, 0.0022%; no homozygotes.

Submissions (3):

Labcorp Genetics (formerly Invitae), Labcorp
Classification: Uncertain significance for Familial adenomatous polyposis 2. Last evaluated: 2025-09-10. Review status: criteria provided, single submitter. Criteria: Invitae Variant Classification Sherloc (09022015). Collection method: clinical testing. Allele origin: germline.
Comment: This sequence change replaces proline, which is neutral and non-polar, with arginine, which is basic and polar, at codon 380 of the MUTYH protein (p.Pro380Arg). This variant is present in population databases (rs774441289, gnomAD 0.0009%). This variant has not been reported in the literature in individuals affected with MUTYH-related conditions. ClinVar contains an entry for this variant (Variation ID: 633323). An algorithm developed to predict the effect of missense changes on protein structure and function (PolyPhen-2) suggests that this variant is likely to be tolerated. In summary, the available evidence is currently insufficient to determine the role of this variant in disease. Therefore, it has been classified as a Variant of Uncertain Significance.

Ambry Genetics
Classification: Uncertain significance for Hereditary cancer-predisposing syndrome. Last evaluated: 2025-07-28. Review status: criteria provided, single submitter. Criteria: Ambry Variant Classification Scheme 2023. Collection method: clinical testing. Allele origin: germline.
Comment: The p.P380R variant (also known as c.1139C>G), located in coding exon 12 of the MUTYH gene, results from a C to G substitution at nucleotide position 1139. The proline at codon 380 is replaced by arginine, an amino acid with dissimilar properties. This amino acid position is conserved. In addition, this alteration is predicted to be tolerated by in silico analysis. Based on the available evidence, the clinical significance of this variant remains unclear.

Women's Health and Genetics/Laboratory Corporation of America, LabCorp
Classification: Uncertain significance. Last evaluated: 2018-05-11. Review status: criteria provided, single submitter. Criteria: LabCorp Variant Classification Summary - May 2015. Collection method: clinical testing. Allele origin: germline.
Comment: Variant summary: MUTYH c.1139C>G (p.Pro380Arg) results in a non-conservative amino acid change located in the C-terminal NUDIX hydrolase domain of the encoded protein sequence. Four of five in-silico tools predict a benign effect of the variant on protein function. The variant allele was found at a frequency of 4.1e-06 in 245890 control chromosomes (gnomAD). The available data on variant occurrences in the general population are insufficient to allow any conclusion about variant significance. To our knowledge, no occurrence of c.1139C>G in individuals affected with MUTYH-associated Polyposis and no experimental evidence demonstrating its impact on protein function have been reported. No clinical diagnostic laboratories have submitted clinical-significance assessments for this variant to ClinVar after 2014. Based on the evidence outlined above, the variant was classified as uncertain significance.